The following is an entry in ClinVar:

NM_014845.6(FIG4):c.2180+10G>A

Gene: FIG4 (FIG4 phosphoinositide 5-phosphatase; plus strand). Cytogenetic location: 6q21.
Variant type: single nucleotide variant.
Coding change: c.2180+10G>A on transcript NM_014845.6 (MANE Select); 10 bases into the intron after coding-DNA position 2180, G replaced by A.
Molecular consequence: intron variant.
Genome position (GRCh38, 1-based): chr6:109,789,687, G>A. VCF-style: chr6-109789687-G-A. GRCh37 (hg19) VCF-style: chr6-110110890-G-A.
Identifiers: ClinVar variation 3354256 (VCV003354256.1).

ClinVar aggregate classification (germline): Likely benign (0 of 4 stars; one submission).

Conditions:
FIG4-related disorder. Also called: FIG4-related condition; FIG4-related disorders.

gnomAD v4.1: 1 of 1,582,968 alleles (0.000063%); highest among the groups gnomAD compares: African/African-American, 0.0013%; no homozygotes.

Submission:

PreventionGenetics, part of Exact Sciences
Classification: Likely benign for FIG4-related condition. Last evaluated: 2022-12-01. Review status: no assertion criteria provided. Collection method: clinical testing. Allele origin: germline.
Comment: This variant is classified as likely benign based on ACMG/AMP sequence variant interpretation guidelines (Richards et al. 2015 PMID: 25741868, with internal and published modifications).